The following is an entry in ClinVar:

ClinVar aggregate classification (germline): Uncertain significance (1 of 4 stars; one submission).

Conditions:
Neurofibromatosis, type 1 (NF1). Also called: VON RECKLINGHAUSEN DISEASE; NEUROFIBROMATOSIS, TYPE I, SOMATIC; Peripheral type neurofibromatosis; Neurofibromatosis, type I. Identifiers: Orphanet 636, MedGen C0027831, MONDO:0018975, OMIM 162200. Disease mechanism: loss of function.

Submission:

Labcorp Genetics (formerly Invitae), Labcorp
Classification: Uncertain significance for Neurofibromatosis, type 1. Last evaluated: 2024-05-18. Review status: criteria provided, single submitter. Criteria: Invitae Variant Classification Sherloc (09022015). Collection method: clinical testing. Allele origin: germline.
Comment: This sequence change replaces valine, which is neutral and non-polar, with aspartic acid, which is acidic and polar, at codon 2029 of the NF1 protein (p.Val2029Asp). This variant is not present in population databases (gnomAD no frequency). This variant has not been reported in the literature in individuals affected with NF1-related conditions. An algorithm developed to predict the effect of missense changes on protein structure and function (PolyPhen-2) suggests that this variant is likely to be disruptive. In summary, the available evidence is currently insufficient to determine the role of this variant in disease. Therefore, it has been classified as a Variant of Uncertain Significance.

NM_001042492.3(NF1):c.6149T>A (p.Val2050Asp)

Gene: NF1 (neurofibromin 1; plus strand). Cytogenetic location: 17q11.2.
Variant type: single nucleotide variant.
Coding change: c.6149T>A on transcript NM_001042492.3 (MANE Select); coding-DNA position 6149, T replaced by A.
Protein change: p.Val2050Asp; replaces valine 2050 with aspartic acid.
Molecular consequence: missense variant.
Genome position (GRCh38, 1-based): chr17:31,336,636, T>A. VCF-style: chr17-31336636-T-A. GRCh37 (hg19) VCF-style: chr17-29663654-T-A.
Other names: c.6086T>A, p.Val2029Asp (NM_000267.4); short protein forms V2029D, V2050D.
Identifiers: ClinVar variation 3714890 (VCV003714890.2).